The following is an entry in ClinVar:

ClinVar aggregate classification (germline): Uncertain significance (1 of 4 stars; one submission).

Submission:

CeGaT Center for Human Genetics Tuebingen
Classification: Uncertain significance. Last evaluated: 2023-02-01. Review status: criteria provided, single submitter. Criteria: CeGaT Center For Human Genetics Tuebingen Variant Classification Criteria Version 2. Collection method: clinical testing. Allele origin: germline. Affected: yes. Observed: 1 variant allele.
Comment: FBXO11: PM2:Supporting, BP4

NM_001190274.2(FBXO11):c.783A>G (p.Lys261=)

Gene: FBXO11 (F-box protein 11; minus strand). Cytogenetic location: 2p16.3.
Variant type: single nucleotide variant.
Coding change: c.783A>G on transcript NM_001190274.2 (MANE Select); coding-DNA position 783, A replaced by G.
Protein change: p.Lys261=; no amino-acid change (lysine 261 retained).
Molecular consequence: synonymous variant.
Genome position (GRCh38, 1-based): chr2:47,834,806, T>C on the plus strand (A>G on the coding strand, the complement: FBXO11 is on the minus strand). VCF-style: chr2-47834806-T-C. GRCh37 (hg19) VCF-style: chr2-48061945-T-C.
Other names: c.531A>G, p.Lys177= (NM_001374325.1, NM_025133.4).
Identifiers: ClinVar variation 2650888 (VCV002650888.24), dbSNP rs2531211777, ClinGen allele CA426127871.
Genomic context (GRCh38, chr2:47,834,806, plus strand): 5'-AAGATTACCATTTTAAGTCATAAAAATAAAAATCAAACATACCAACATATTTTCTCTTCC[T>C]TTATATCTTGCAGGGTTACTGTAGAAATGTTCAGCAAATCCTGGCTTTACATGTGCACCT-3'
Protein context (NP_001177203.1, residues 251-271): EHFYSNPARY[Lys261=]GRENMLYYDT